The following is an entry in ClinVar:

ClinVar aggregate classification (germline): Uncertain significance. Review status: criteria provided, multiple submitters, no conflicts (2 of 4 stars). 3 submissions from 3 submitters: Uncertain significance (3). Last evaluated 2025-12-29.

Conditions:
Hereditary cancer-predisposing syndrome. Also called: Hereditary Cancer Syndrome; Hereditary neoplastic syndrome; Neoplastic Syndromes, Hereditary; Tumor predisposition. Identifiers: Orphanet 140162, MedGen C0027672, MeSH D009386, MONDO:0015356.

Allele frequency attached by ClinVar (database versions not stated): gnomAD 0.00001.
gnomAD v4.1: 16 of 1,614,088 alleles (0.00099%); highest among the groups gnomAD compares: Non-Finnish European, 0.0014%; no homozygotes.

Submissions (3):

Center for Genomic Medicine, Rigshospitalet, Copenhagen University Hospital
Classification: Uncertain significance. Last evaluated: 2025-12-29. Review status: criteria provided, single submitter. Criteria: ACMG Guidelines, 2015. Collection method: clinical testing. Allele origin: germline.

Ambry Genetics
Classification: Uncertain significance for Hereditary cancer-predisposing syndrome. Last evaluated: 2025-09-10. Review status: criteria provided, single submitter. Criteria: Ambry Variant Classification Scheme 2023. Collection method: clinical testing. Allele origin: germline.
Comment: The p.I545V variant (also known as c.1633A>G), located in coding exon 11 of the CTNNA1 gene, results from an A to G substitution at nucleotide position 1633. The isoleucine at codon 545 is replaced by valine, an amino acid with highly similar properties. This amino acid position is highly conserved in available vertebrate species. In addition, this alteration is predicted to be tolerated by in silico analysis. Based on the available evidence, the clinical significance of this variant remains unclear.

Labcorp Genetics (formerly Invitae), Labcorp
Classification: Uncertain significance. Last evaluated: 2024-11-27. Review status: criteria provided, single submitter. Criteria: Invitae Variant Classification Sherloc (09022015). Collection method: clinical testing. Allele origin: germline.
Comment: This sequence change replaces isoleucine, which is neutral and non-polar, with valine, which is neutral and non-polar, at codon 545 of the CTNNA1 protein (p.Ile545Val). This variant is present in population databases (no rsID available, gnomAD 0.007%). This variant has not been reported in the literature in individuals affected with CTNNA1-related conditions. ClinVar contains an entry for this variant (Variation ID: 409004). Invitae Evidence Modeling of protein sequence and biophysical properties (such as structural, functional, and spatial information, amino acid conservation, physicochemical variation, residue mobility, and thermodynamic stability) indicates that this missense variant is not expected to disrupt CTNNA1 protein function with a negative predictive value of 80%. In summary, the available evidence is currently insufficient to determine the role of this variant in disease. Therefore, it has been classified as a Variant of Uncertain Significance.

NM_001903.5(CTNNA1):c.1633A>G (p.Ile545Val)

Gene: CTNNA1 (catenin alpha 1; plus strand). Cytogenetic location: 5q31.2.
Variant type: single nucleotide variant.
Coding change: c.1633A>G on transcript NM_001903.5 (MANE Select); coding-DNA position 1633, A replaced by G.
Protein change: p.Ile545Val; replaces isoleucine 545 with valine.
Molecular consequence: missense variant.
Genome position (GRCh38, 1-based): chr5:138,924,596, A>G. VCF-style: chr5-138924596-A-G. GRCh37 (hg19) VCF-style: chr5-138260285-A-G.
Other names: c.1633A>G, p.Ile545Val (NM_001290307.3, NM_001323982.2, NM_001323983.1 and 2 more transcripts); c.1324A>G, p.Ile442Val (NM_001290309.3); c.1264A>G, p.Ile422Val (NM_001290310.3); c.523A>G, p.Ile175Val (NM_001290312.1, NM_001323987.1, NM_001323988.1 and 17 more transcripts); c.1540A>G, p.Ile514Val (NM_001323986.2); c.184A>G, p.Ile62Val (NM_001324006.1, NM_001324007.1, NM_001324008.1 and 2 more transcripts); c.430A>G, p.Ile144Val (NM_001324011.1); c.280A>G, p.Ile94Val (NM_001324012.1, NM_001324013.1); and 1 more; short protein forms I545V, I442V, I144V, I175V, I94V, I422V, I514V, I62V.
Identifiers: ClinVar variation 409004 (VCV000409004.12), dbSNP rs1060502220, ClinGen allele CA16611880.